The following is an entry in ClinVar:

NM_198334.3(GANAB):c.1915G>A (p.Val639Met)

Gene: GANAB (glucosidase II alpha subunit; minus strand). Cytogenetic location: 11q12.3.
Variant type: single nucleotide variant.
Coding change: c.1915G>A on transcript NM_198334.3 (MANE Select); coding-DNA position 1915, G replaced by A.
Protein change: p.Val639Met; replaces valine 639 with methionine.
Molecular consequence: missense variant.
Genome position (GRCh38, 1-based): chr11:62,629,215, C>T on the plus strand (G>A on the coding strand, the complement: GANAB is on the minus strand). VCF-style: chr11-62629215-C-T. GRCh37 (hg19) VCF-style: chr11-62396687-C-T.
Other names: c.1639G>A, p.Val547Met (NM_001278192.2); c.1573G>A, p.Val525Met (NM_001278193.2); c.1624G>A, p.Val542Met (NM_001278194.2, NM_001329222.2, NM_001329223.2); c.1192G>A, p.Val398Met (NM_001329224.2, NM_001329225.2); c.1981G>A, p.Val661Met (NM_198335.4); short protein forms V542M, V639M, V398M, V525M, V661M, V547M.
Identifiers: ClinVar variation 4742969 (VCV004742969.1).

ClinVar aggregate classification (germline): Uncertain significance (1 of 4 stars; one submission).

Submission:

Labcorp Genetics (formerly Invitae), Labcorp
Classification: Uncertain significance. Last evaluated: 2025-03-13. Review status: criteria provided, single submitter. Criteria: Invitae Variant Classification Sherloc (09022015). Collection method: clinical testing. Allele origin: germline.
Comment: This sequence change replaces valine, which is neutral and non-polar, with methionine, which is neutral and non-polar, at codon 661 of the GANAB protein (p.Val661Met). This variant is not present in population databases (gnomAD no frequency). This variant has not been reported in the literature in individuals affected with GANAB-related conditions. Invitae Evidence Modeling of protein sequence and biophysical properties (such as structural, functional, and spatial information, amino acid conservation, physicochemical variation, residue mobility, and thermodynamic stability) indicates that this missense variant is not expected to disrupt GANAB protein function with a negative predictive value of 80%. In summary, the available evidence is currently insufficient to determine the role of this variant in disease. Therefore, it has been classified as a Variant of Uncertain Significance.